The following is an entry in ClinVar:

NM_203447.4(DOCK8):c.6184G>A (p.Glu2062Lys)

Gene: DOCK8 (dedicator of cytokinesis 8; plus strand). Cytogenetic location: 9p24.3.
Variant type: single nucleotide variant.
Coding change: c.6184G>A on transcript NM_203447.4 (MANE Select); coding-DNA position 6184, G replaced by A.
Protein change: p.Glu2062Lys; replaces glutamic acid 2062 with lysine.
Molecular consequence: missense variant.
Genome position (GRCh38, 1-based): chr9:463,632, G>A. VCF-style: chr9-463632-G-A. GRCh37 (hg19) VCF-style: chr9-463632-G-A.
Other names: c.5884G>A, p.Glu1962Lys (NM_001190458.2); c.5980G>A, p.Glu1994Lys (NM_001193536.2); c.6184G>A (NM_203447.3); short protein forms E2062K, E1994K, E1962K.
Identifiers: ClinVar variation 1346218 (VCV001346218.7), dbSNP rs201733542, ClinGen allele CA4959704.
Genomic context (GRCh38, chr9:463,632, plus strand): 5'-TATCAGCAGGAACTCAAAAAGAACTATAACAAGCTAAAAGAGAACCTCAGGCCAATGATC[G>A]AGCGGAAAATTCCAGAACTGTACAAGCCAATATTCAGAGTTGAGAGTCAAAAGAGGTAAG-3'
Protein context (NP_982272.2, residues 2052-2072): KLKENLRPMI[Glu2062Lys]RKIPELYKPI

ClinVar aggregate classification (germline): Uncertain significance. Review status: criteria provided, multiple submitters, no conflicts (2 of 4 stars). 2 submissions from 2 submitters: Uncertain significance (2). Last evaluated 2025-01-31.

Conditions:
Hyper-IgE recurrent infection syndrome 3, autosomal recessive. Also called: Autosomal recessive hyper-IgE syndrome due to ZNF341 deficiency; HYPER-IgE SYNDROME 3, AUTOSOMAL RECESSIVE, WITH RECURRENT INFECTIONS. Identifiers: Orphanet 641368, MedGen C4748969, MONDO:0032654, OMIM 618282.
Inborn genetic diseases. Identifiers: MedGen C0950123, MeSH D030342.

Allele frequency attached by ClinVar (database versions not stated): gnomAD exomes 0.00003 and 0.00008; gnomAD 0.00004; ESP Exome Variant Server 0.00008; ExAC 0.00014; TOPMed 0.00002.
gnomAD v4.1: 47 of 1,613,598 alleles (0.0029%); highest among the groups gnomAD compares: Non-Finnish European, 0.0031%; no homozygotes.

Submissions (2):

Ambry Genetics
Classification: Uncertain significance for Inborn genetic diseases. Last evaluated: 2025-01-31. Review status: criteria provided, single submitter. Criteria: Ambry Variant Classification Scheme 2023. Collection method: clinical testing. Allele origin: germline.

Labcorp Genetics (formerly Invitae), Labcorp
Classification: Uncertain significance for Combined immunodeficiency due to DOCK8 deficiency. Last evaluated: 2022-03-02. Review status: criteria provided, single submitter. Criteria: Invitae Variant Classification Sherloc (09022015). Collection method: clinical testing. Allele origin: germline.
Comment: In summary, the available evidence is currently insufficient to determine the role of this variant in disease. Therefore, it has been classified as a Variant of Uncertain Significance. Algorithms developed to predict the effect of missense changes on protein structure and function are either unavailable or do not agree on the potential impact of this missense change (SIFT: "Tolerated"; PolyPhen-2: "Probably Damaging"; Align-GVGD: "Class C0"). This variant has not been reported in the literature in individuals affected with DOCK8-related conditions. This variant is present in population databases (rs201733542, gnomAD 0.01%). This sequence change replaces glutamic acid, which is acidic and polar, with lysine, which is basic and polar, at codon 2062 of the DOCK8 protein (p.Glu2062Lys).